The following is an entry in ClinVar:

ClinVar aggregate classification (germline): Uncertain significance. Review status: criteria provided, multiple submitters, no conflicts (2 of 4 stars). 4 submissions from 4 submitters: Uncertain significance (4). Last evaluated 2026-01-04.

Conditions:
Familial melanoma. Also called: Hereditary melanoma; Hereditary cutaneous melanoma. Identifiers: Orphanet 618, MedGen C1512419, MONDO:0018961.
Hereditary cancer-predisposing syndrome. Also called: Hereditary neoplastic syndrome; Neoplastic Syndromes, Hereditary; Hereditary Cancer Syndrome; Tumor predisposition. Identifiers: Orphanet 140162, MedGen C0027672, MeSH D009386, MONDO:0015356.

Allele frequency attached by ClinVar (database versions not stated): gnomAD exomes below 0.00001; gnomAD 0.00001; TOPMed 0.00001.
gnomAD v4.1: 19 of 1,610,916 alleles (0.0012%); highest among the groups gnomAD compares: Middle Eastern, 0.018%; no homozygotes.

Submissions (4):

Labcorp Genetics (formerly Invitae), Labcorp
Classification: Uncertain significance for Familial melanoma. Last evaluated: 2026-01-04. Review status: criteria provided, single submitter. Criteria: Invitae Variant Classification Sherloc (09022015). Collection method: clinical testing. Allele origin: germline.
Comment: This sequence change replaces arginine, which is basic and polar, with glutamine, which is neutral and polar, at codon 128 of the CDKN2A (p16INK4a) protein (p.Arg128Gln). This variant is present in population databases (no rsID available, gnomAD 0.0009%). This variant has not been reported in the literature in individuals affected with CDKN2A (p16INK4a)-related conditions. ClinVar contains an entry for this variant (Variation ID: 581636). An algorithm developed to predict the effect of missense changes on protein structure and function outputs the following: PolyPhen-2: "Benign". The glutamine amino acid residue is found in multiple mammalian species, which suggests that this missense change does not adversely affect protein function. In summary, the available evidence is currently insufficient to determine the role of this variant in disease. Therefore, it has been classified as a Variant of Uncertain Significance.

Ambry Genetics
Classification: Uncertain significance for Hereditary cancer-predisposing syndrome. Last evaluated: 2024-09-11. Review status: criteria provided, single submitter. Criteria: Ambry Variant Classification Scheme 2023. Collection method: clinical testing. Allele origin: germline.
Comment: The p.R128Q variant (also known as c.383G>A), located in coding exon 2 of the CDKN2A gene, results from a G to A substitution at nucleotide position 383. The arginine at codon 128 is replaced by glutamine, an amino acid with highly similar properties. Of note, this alteration is also known as c.*27G>A in the p14(ARF) isoform. This amino acid position is poorly conserved in available vertebrate species. In addition, this alteration is predicted to be tolerated by in silico analysis. Based on the available evidence, the clinical significance of this variant remains unclear.

Color Diagnostics, LLC DBA Color Health
Classification: Uncertain significance for Hereditary cancer-predisposing syndrome. Last evaluated: 2022-05-23. Review status: criteria provided, single submitter. Criteria: ACMG Guidelines, 2015. Collection method: clinical testing. Allele origin: germline.
Comment: The CDKN2A locus encodes two different gene products, p16INK4a and p14ARF. This missense variant replaces arginine with glutamine at codon 128 of the CDKN2A (p16INK4A) protein. Computational prediction suggests that this variant may not impact protein structure and function (internally defined REVEL score threshold <= 0.5, PMID: 27666373). To our knowledge, functional studies have not been reported for this variant. This variant has not been reported in individuals affected with hereditary cancer in the literature. This variant has been identified in 1/244782 chromosomes in the general population by the Genome Aggregation Database (gnomAD). The available evidence is insufficient to determine the role of this variant in disease conclusively. Therefore, this variant is classified as a Variant of Uncertain Significance.

Sema4
Classification: Uncertain significance for Hereditary cancer-predisposing syndrome. Last evaluated: 2021-08-31. Review status: criteria provided, single submitter. Criteria: Sema4 Curation Guidelines. Collection method: curation. Allele origin: germline.
Comment: The CDKN2A c.383G>A (p.R128Q) variant has been reported as a somatic variant in 1 individual with larynx cancer (PMID 19690981). This variant observed in 1/110312 chromosomes in the Non-Finnish European population according to the Genome Aggregation Database (PMID: 32461654). This variant has been reported in ClinVar (Variation ID 581636). Functional studies have not been performed, and in silico predictions of the variant's effect on protein function are inconclusive. The overall evidence is insufficient to meet ACMG/AMP criteria for classifying it as benign or pathogenic. In summary, the clinical significance of this variant is currently uncertain.

Literature cited by the submitters: PubMed 19690981 (cited by Sema4).

NM_000077.5(CDKN2A):c.383G>A (p.Arg128Gln)

Gene: CDKN2A (cyclin dependent kinase inhibitor 2A; minus strand). Cytogenetic location: 9p21.3.
Variant type: single nucleotide variant.
Coding change: c.383G>A on transcript NM_000077.5; coding-DNA position 383, G replaced by A.
Protein change: p.Arg128Gln; replaces arginine 128 with glutamine.
Molecular consequence: missense variant (on NM_000077.6). On other transcripts: 3 prime UTR variant (2).
Genome position (GRCh38, 1-based): chr9:21,970,976, C>T on the plus strand (G>A on the coding strand, the complement: CDKN2A is on the minus strand). VCF-style: chr9-21970976-C-T. GRCh37 (hg19) VCF-style: chr9-21970975-C-T.
Other names: c.383G>A, p.Arg128Gln (NM_000077.6, NM_001195132.2); c.230G>A, p.Arg77Gln (NM_001363763.2); c.*27G>A (NM_058195.4); c.*306G>A (NM_058197.5); short protein forms R128Q, R77Q.
Identifiers: ClinVar variation 581636 (VCV000581636.17), dbSNP rs971657556, ClinGen allele CA373085945.